The following is an entry in ClinVar:

NM_005633.4(SOS1):c.822T>C (p.Ser274=)

Gene: SOS1 (SOS Ras/Rac guanine nucleotide exchange factor 1; minus strand). Cytogenetic location: 2p22.1.
Variant type: single nucleotide variant.
Coding change: c.822T>C on transcript NM_005633.4 (MANE Select); coding-DNA position 822, T replaced by C.
Protein change: p.Ser274=; no amino-acid change (serine 274 retained).
Molecular consequence: synonymous variant.
Genome position (GRCh38, 1-based): chr2:39,051,186, A>G on the plus strand (T>C on the coding strand, the complement: SOS1 is on the minus strand). VCF-style: chr2-39051186-A-G. GRCh37 (hg19) VCF-style: chr2-39278327-A-G.
Other names: c.801T>C, p.Ser267= (NM_001382394.1); c.822T>C, p.Ser274= (NM_001382395.1).
Identifiers: ClinVar variation 387959 (VCV000387959.5), dbSNP rs1057522964, ClinGen allele CA16604198.

ClinVar aggregate classification (germline): Likely benign. Review status: criteria provided, multiple submitters, no conflicts (2 of 4 stars). 2 submissions from 2 submitters: Likely benign (2). Last evaluated 2022-05-01.

Conditions:
RASopathy. Also called: rasopathies; Noonan spectrum disorder. Identifiers: Orphanet 536391, MedGen C5555857, MONDO:0021060.

Submissions (2):

Labcorp Genetics (formerly Invitae), Labcorp
Classification: Likely benign for RASopathy. Last evaluated: 2022-05-01. Review status: criteria provided, single submitter. Criteria: Invitae Variant Classification Sherloc (09022015). Collection method: clinical testing. Allele origin: germline.

GeneDx
Classification: Likely benign. Last evaluated: 2016-07-18. Review status: criteria provided, single submitter. Criteria: GeneDx Variant Classification (06012015). Collection method: clinical testing. Allele origin: germline. Affected: yes.
Comment: This variant is considered likely benign or benign based on one or more of the following criteria: it is a conservative change, it occurs at a poorly conserved position in the protein, it is predicted to be benign by multiple in silico algorithms, and/or has population frequency not consistent with disease.